The following is an entry in ClinVar:

NM_006231.4(POLE):c.1502G>C (p.Cys501Ser)

Gene: POLE (DNA polymerase epsilon, catalytic subunit; minus strand). Cytogenetic location: 12q24.33.
Variant type: single nucleotide variant.
Coding change: c.1502G>C on transcript NM_006231.4 (MANE Select); coding-DNA position 1502, G replaced by C.
Protein change: p.Cys501Ser; replaces cysteine 501 with serine.
Molecular consequence: missense variant.
Genome position (GRCh38, 1-based): chr12:132,672,811, C>G on the plus strand (G>C on the coding strand, the complement: POLE is on the minus strand). VCF-style: chr12-132672811-C-G. GRCh37 (hg19) VCF-style: chr12-133249397-C-G.
Other names: short protein forms C501S.
Identifiers: ClinVar variation 4825816 (VCV004825816.1).

ClinVar aggregate classification (germline): Uncertain significance (1 of 4 stars; one submission).

Conditions:
Hereditary cancer-predisposing syndrome. Also called: Neoplastic Syndromes, Hereditary; Tumor predisposition; Hereditary Cancer Syndrome; Hereditary neoplastic syndrome. Identifiers: Orphanet 140162, MedGen C0027672, MeSH D009386, MONDO:0015356.

gnomAD v4.1: 1 of 1,614,208 alleles (0.000062%); highest among the groups gnomAD compares: African/African-American, 0.0013%; no homozygotes.

Submission:

Ambry Genetics
Classification: Uncertain significance for Hereditary cancer-predisposing syndrome. Last evaluated: 2026-02-23. Review status: criteria provided, single submitter. Criteria: Ambry Variant Classification Scheme 2023. Collection method: clinical testing. Allele origin: germline.
Comment: The p.C501S variant (also known as c.1502G>C), located in coding exon 15 of the POLE gene, results from a G to C substitution at nucleotide position 1502. The cysteine at codon 501 is replaced by serine, an amino acid with dissimilar properties. This amino acid position is highly conserved in available vertebrate species. In addition, this alteration is predicted to be deleterious by in silico analysis. Based on the available evidence, the clinical significance of this variant remains unclear.